The following is an entry in ClinVar:

ClinVar aggregate classification (germline): Uncertain significance (1 of 4 stars; one submission).

Conditions:
Multiple endocrine neoplasia, type 2 (MEN2). Identifiers: Orphanet 653, MedGen C4048306, MONDO:0019003. Disease mechanism: gain of function.

Submission:

Labcorp Genetics (formerly Invitae), Labcorp
Classification: Uncertain significance for Multiple endocrine neoplasia, type 2. Last evaluated: 2024-10-29. Review status: criteria provided, single submitter. Criteria: Invitae Variant Classification Sherloc (09022015). Collection method: clinical testing. Allele origin: germline.
Comment: This sequence change replaces glutamic acid, which is acidic and polar, with aspartic acid, which is acidic and polar, at codon 265 of the RET protein (p.Glu265Asp). This variant is not present in population databases (gnomAD no frequency). This variant has not been reported in the literature in individuals affected with RET-related conditions. ClinVar contains an entry for this variant (Variation ID: 1511388). An algorithm developed to predict the effect of missense changes on protein structure and function (PolyPhen-2) suggests that this variant is likely to be tolerated. In summary, the available evidence is currently insufficient to determine the role of this variant in disease. Therefore, it has been classified as a Variant of Uncertain Significance.

NM_020975.6(RET):c.795G>C (p.Glu265Asp)

Gene: RET (ret proto-oncogene; plus strand). Cytogenetic location: 10q11.21.
Variant type: single nucleotide variant.
Coding change: c.795G>C on transcript NM_020975.6 (MANE Select); coding-DNA position 795, G replaced by C.
Protein change: p.Glu265Asp; replaces glutamic acid 265 with aspartic acid.
Molecular consequence: missense variant.
Genome position (GRCh38, 1-based): chr10:43,105,121, G>C. VCF-style: chr10-43105121-G-C. GRCh37 (hg19) VCF-style: chr10-43600569-G-C.
Other names: c.795G>C, p.Glu265Asp (NM_000323.2, NM_001406743.1, NM_001406744.1 and 8 more transcripts); c.33G>C, p.Glu11Asp (NM_001355216.2); c.666G>C, p.Glu222Asp (NM_001406761.1, NM_001406762.1, NM_001406764.1 and 2 more transcripts); c.507G>C, p.Glu169Asp (NM_001406766.1, NM_001406767.1, NM_001406770.1); short protein forms E11D, E265D, E222D, E169D.
Identifiers: ClinVar variation 1511388 (VCV001511388.9), dbSNP rs1554817821, ClinGen allele CA376545107.